The following is an entry in ClinVar:

NM_001519.4(BRF1):c.1581G>T (p.Lys527Asn)

Gene: BRF1 (BRF1 RNA polymerase III transcription initiation factor subunit; minus strand). Cytogenetic location: 14q32.33.
Variant type: single nucleotide variant.
Coding change: c.1581G>T on transcript NM_001519.4 (MANE Select); coding-DNA position 1581, G replaced by T.
Protein change: p.Lys527Asn; replaces lysine 527 with asparagine.
Molecular consequence: missense variant.
Genome position (GRCh38, 1-based): chr14:105,217,735, C>A on the plus strand (G>T on the coding strand, the complement: BRF1 is on the minus strand). VCF-style: chr14-105217735-C-A. GRCh37 (hg19) VCF-style: chr14-105684072-C-A.
Other names: c.1302G>T, p.Lys434Asn (NM_001242786.2); c.1236G>T, p.Lys412Asn (NM_001242787.2); c.1500G>T, p.Lys500Asn (NM_001242788.2); c.867G>T, p.Lys289Asn (NM_001242789.2); c.969G>T, p.Lys323Asn (NM_145685.3); short protein forms K434N, K527N, K289N, K323N, K500N, K412N.
Identifiers: ClinVar variation 373159 (VCV000373159.1), dbSNP rs1057518259, ClinGen allele CA16042930.

ClinVar aggregate classification (germline): Uncertain significance (1 of 4 stars; one submission).

Submission:

GeneDx
Classification: Uncertain significance. Last evaluated: 2016-12-05. Review status: criteria provided, single submitter. Criteria: GeneDx Variant Classification (06012015). Collection method: clinical testing. Allele origin: germline. Affected: yes.
Comment: The K527N variant in the BRF1 gene has not been reported previously as a pathogenic variant, nor as a benign variant, to our knowledge. The K527N variant was not observed in approximately 6,500 individuals of European and African American ancestry in the NHLBI Exome Sequencing Project, indicating it is not a common benign variant in these populations. The K527N variant is a semi-conservative amino acid substitution, which may impact secondary protein structure as these residues differ in some properties. This substitution occurs at a position that is conserved across species. In silico analysis predicts this variant is probably damaging to the protein structure/function. We interpret K527N as a variant of uncertain significance.